The following is an entry in ClinVar:

NM_005219.5(DIAPH1):c.2527A>G (p.Lys843Glu)

Gene: DIAPH1 (diaphanous related formin 1; minus strand). Cytogenetic location: 5q31.3.
Variant type: single nucleotide variant.
Coding change: c.2527A>G on transcript NM_005219.5 (MANE Select); coding-DNA position 2527, A replaced by G.
Protein change: p.Lys843Glu; replaces lysine 843 with glutamic acid.
Molecular consequence: missense variant.
Genome position (GRCh38, 1-based): chr5:141,534,389, T>C on the plus strand (A>G on the coding strand, the complement: DIAPH1 is on the minus strand). VCF-style: chr5-141534389-T-C. GRCh37 (hg19) VCF-style: chr5-140913956-T-C.
Other names: c.2500A>G, p.Lys834Glu (NM_001079812.3); c.2527A>G, p.Lys843Glu (NM_001314007.2); short protein forms K834E, K843E.
Identifiers: ClinVar variation 3346661 (VCV003346661.1).
Genomic context (GRCh38, chr5:141,534,389, plus strand): 5'-ACTCACAGAGATTCTGGGCTGTCTTTGAATCCAACACCTTTAACTCTTTTACTTTTTTCT[T>C]TTGCACAGATTTCTTTTCTTCTCCACCTTCTTGATCCTTCTTGGCTAGCAGGGAAAAGAT-3'
Protein context (NP_005210.3, residues 833-853): EGGEEKKSVQ[Lys843Glu]KKVKELKVLD

ClinVar aggregate classification (germline): Uncertain significance (0 of 4 stars; one submission).

Conditions:
DIAPH1-related disorder. Also called: DIAPH1-related condition.

Submission:

PreventionGenetics, part of Exact Sciences
Classification: Uncertain significance for DIAPH1-related condition. Last evaluated: 2024-08-26. Review status: no assertion criteria provided. Collection method: clinical testing. Allele origin: germline.
Comment: The DIAPH1 c.2527A>G variant is predicted to result in the amino acid substitution p.Lys843Glu. To our knowledge, this variant has not been reported in the literature or in a large population database, indicating this variant is rare. At this time, the clinical significance of this variant is uncertain due to the absence of conclusive functional and genetic evidence.